The following is an entry in ClinVar:

NM_001384732.1(CPLANE1):c.7159A>G (p.Ile2387Val)

Gene: CPLANE1 (ciliogenesis and planar polarity effector complex subunit 1; minus strand). Cytogenetic location: 5p13.2.
Variant type: single nucleotide variant.
Coding change: c.7159A>G on transcript NM_001384732.1 (MANE Select); coding-DNA position 7159, A replaced by G.
Protein change: p.Ile2387Val; replaces isoleucine 2387 with valine.
Molecular consequence: missense variant.
Genome position (GRCh38, 1-based): chr5:37,168,865, T>C on the plus strand (A>G on the coding strand, the complement: CPLANE1 is on the minus strand). VCF-style: chr5-37168865-T-C. GRCh37 (hg19) VCF-style: chr5-37168967-T-C.
Other names: c.7159A>G, p.Ile2387Val (NM_023073.4); short protein forms I2387V.
Identifiers: ClinVar variation 546388 (VCV000546388.2), dbSNP rs1351045535, ClinGen allele CA359477961.

ClinVar aggregate classification (germline): Uncertain significance (1 of 4 stars; one submission).

Allele frequency attached by ClinVar (database versions not stated): TOPMed 0.00001.

Submission:

GeneDx
Classification: Uncertain significance. Last evaluated: 2018-05-21. Review status: criteria provided, single submitter. Criteria: GeneDx Variant Classification (06012015). Collection method: clinical testing. Allele origin: germline. Affected: yes.
Comment: The I2387V variant has not been published as a pathogenic variant, nor has it been reported as a benign variant to our knowledge. The I2387V variant is not observed in large population cohorts (Lek et al., 2016). The I2387V variant is a conservative amino acid substitution, which is not likely to impact secondary protein structure as these residues share similar properties. In-silico analyses, including protein predictors and evolutionary conservation, support that this variant does not alter protein structure/function. Based on the currently available information, it is unclear whether this variant is a pathogenic variant or a rare benign variant.